The following is an entry in ClinVar:

ClinVar aggregate classification (germline): Uncertain significance (1 of 4 stars; one submission).

Conditions:
Long QT syndrome (LQTS). Identifiers: MedGen C0023976, MeSH D008133, MONDO:0002442. Disease mechanism: loss of function. Inheritance: Various modes of inheritance.

Submission:

Labcorp Genetics (formerly Invitae), Labcorp
Classification: Uncertain significance for Long QT syndrome. Last evaluated: 2024-02-07. Review status: criteria provided, single submitter. Criteria: Invitae Variant Classification Sherloc (09022015). Collection method: clinical testing. Allele origin: germline.
Comment: This variant, c.4528_4536del, results in the deletion of 3 amino acid(s) of the AKAP9 protein (p.Phe1510_Glu1512del), but otherwise preserves the integrity of the reading frame. This variant is not present in population databases (gnomAD no frequency). This variant has not been reported in the literature in individuals affected with AKAP9-related conditions. Experimental studies and prediction algorithms are not available or were not evaluated, and the functional significance of this variant is currently unknown. In summary, the available evidence is currently insufficient to determine the role of this variant in disease. Therefore, it has been classified as a Variant of Uncertain Significance.

NM_005751.5(AKAP9):c.4528_4536del (p.Phe1510_Glu1512del)

Gene: AKAP9 (A-kinase anchoring protein 9; plus strand). Cytogenetic location: 7q21.2.
Variant type: Deletion.
Coding change: c.4528_4536del on transcript NM_005751.5 (MANE Select); coding-DNA positions 4528 to 4536, 9 bases deleted (TTTAAAGAA; older notation c.4528_4536delTTTAAAGAA).
Protein change: p.Phe1510_Glu1512del.
Genome position (GRCh38, 1-based): chr7:92,038,608-92,038,616, TTTAAAGAA deleted; deleting any 9 consecutive bases within chr7:92,038,606-92,038,616 gives the same sequence; the c. name uses the placement nearest the transcript's 3' end. VCF-style (leftmost placement, unchanged base first): chr7-92038605-AAATTTAAAG-A. GRCh37 (hg19) VCF-style: chr7-91667919-AAATTTAAAG-A.
Other names: c.4528_4536del, p.Phe1510_Glu1512del (NM_147185.3).
Identifiers: ClinVar variation 3639437 (VCV003639437.2).